The following is an entry in ClinVar:

NM_001378120.1(MBD5):c.4313G>T (p.Gly1438Val)

Gene: MBD5 (methyl-CpG binding domain protein 5; plus strand). Cytogenetic location: 2q23.1.
Variant type: single nucleotide variant.
Coding change: c.4313G>T on transcript NM_001378120.1 (MANE Select); coding-DNA position 4313, G replaced by T.
Protein change: p.Gly1438Val; replaces glycine 1438 with valine.
Molecular consequence: missense variant.
Genome position (GRCh38, 1-based): chr2:148,489,945, G>T. VCF-style: chr2-148489945-G-T. GRCh37 (hg19) VCF-style: chr2-149247514-G-T.
Other names: c.3614G>T, p.Gly1205Val (NM_018328.5); short protein forms G1205V, G1438V.
Identifiers: ClinVar variation 576134 (VCV000576134.10), dbSNP rs1559099144, ClinGen allele CA348728689.
Genomic context (GRCh38, chr2:148,489,945, plus strand): 5'-TCAAGTCAGCAAGTTGCCACACATCCAAAAAACAGTGGGACGGGGAGCAAAGCCCCAGAG[G>T]GGAGCGAAACAGGTGGAAGTACGAGGAATTTTTAGATCATCCAGGCCATATCCACAGTAG-3'
Protein context (NP_001365049.1, residues 1428-1448): KQWDGEQSPR[Gly1438Val]ERNRWKYEEF

ClinVar aggregate classification (germline): Uncertain significance (1 of 4 stars; one submission).

Conditions:
Intellectual developmental disorder, autosomal dominant 1. Also called: Intellectual disability, autosomal dominant 1; MBD5 Haploinsufficiency. Identifiers: Orphanet 228402, MedGen C1969562, MONDO:0007974, OMIM 156200.

Allele frequency attached by ClinVar (database versions not stated): TOPMed below 0.00001.

Submission:

Labcorp Genetics (formerly Invitae), Labcorp
Classification: Uncertain significance for Intellectual developmental disorder, autosomal dominant 1. Last evaluated: 2018-09-20. Review status: criteria provided, single submitter. Criteria: Invitae Variant Classification Sherloc (09022015). Collection method: clinical testing. Allele origin: germline.
Comment: This sequence change replaces glycine with valine at codon 1205 of the MBD5 protein (p.Gly1205Val). The glycine residue is highly conserved and there is a moderate physicochemical difference between glycine and valine. This variant is not present in population databases (ExAC no frequency). This variant has not been reported in the literature in individuals with MBD5-related disease. In summary, the available evidence is currently insufficient to determine the role of this variant in disease. Therefore, it has been classified as a Variant of Uncertain Significance.